The following is an entry in ClinVar:

NM_004260.4(RECQL4):c.1673C>T (p.Thr558Ile)

Gene: RECQL4 (RecQ like helicase 4; minus strand). Cytogenetic location: 8q24.3.
Variant type: single nucleotide variant.
Coding change: c.1673C>T on transcript NM_004260.4 (MANE Select); coding-DNA position 1673, C replaced by T.
Protein change: p.Thr558Ile; replaces threonine 558 with isoleucine.
Molecular consequence: missense variant.
Genome position (GRCh38, 1-based): chr8:144,514,473, G>A on the plus strand (C>T on the coding strand, the complement: RECQL4 is on the minus strand). VCF-style: chr8-144514473-G-A. GRCh37 (hg19) VCF-style: chr8-145739857-G-A.
Other names: c.1577C>T, p.Thr526Ile (NM_001413017.1, NM_001413020.1); c.1673C>T, p.Thr558Ile (NM_001413018.1, NM_001413019.1, NM_001413033.1 and 1 more transcripts); c.602C>T, p.Thr201Ile (NM_001413021.1, NM_001413022.1, NM_001413023.1 and 7 more transcripts); c.1544C>T, p.Thr515Ile (NM_001413025.1); c.536C>T, p.Thr179Ile (NM_001413027.1, NM_001413030.1, NM_001413031.1 and 2 more transcripts); c.1322C>T, p.Thr441Ile (NM_001413029.1); c.1643C>T, p.Thr548Ile (NM_001413039.1); c.572C>T, p.Thr191Ile (NM_001413042.1); and 1 more; short protein forms T179I, T201I, T548I, T526I, T191I, T515I, T69I, T441I.
Identifiers: ClinVar variation 2113189 (VCV002113189.4), dbSNP rs1408470989, ClinGen allele CA372681667.

ClinVar aggregate classification (germline): Uncertain significance (1 of 4 stars; one submission).

Conditions:
Baller-Gerold syndrome (BGS). Also called: CRANIOSYNOSTOSIS WITH RADIAL DEFECTS. Identifiers: Orphanet 1225, MedGen C0265308, MONDO:0009039, OMIM 218600.

Submission:

Labcorp Genetics (formerly Invitae), Labcorp
Classification: Uncertain significance for Baller-Gerold syndrome. Last evaluated: 2021-12-03. Review status: criteria provided, single submitter. Criteria: Invitae Variant Classification Sherloc (09022015). Collection method: clinical testing. Allele origin: germline.
Comment: In summary, the available evidence is currently insufficient to determine the role of this variant in disease. Therefore, it has been classified as a Variant of Uncertain Significance. Experimental studies and prediction algorithms are not available or were not evaluated, and the functional significance of this variant is currently unknown. This variant has not been reported in the literature in individuals affected with RECQL4-related conditions. This variant is not present in population databases (gnomAD no frequency). This sequence change replaces threonine, which is neutral and polar, with isoleucine, which is neutral and non-polar, at codon 558 of the RECQL4 protein (p.Thr558Ile).